The following is an entry in ClinVar:

ClinVar aggregate classification (germline): Pathogenic (1 of 4 stars; one submission).

Conditions:
Developmental and epileptic encephalopathy, 27 (DEE27). Also called: GRIN2B-Related Neurodevelopmental Disorder; Epileptic encephalopathy, early infantile, 27. Identifiers: Orphanet 3451, MedGen C4015316, MONDO:0014505, OMIM 616139.
Intellectual developmental disorder, autosomal dominant 6, with or without seizures. Also called: Intellectual disability, autosomal dominant 6; GRIN2B-related developmental delay, intellectual disability and autism spectrum disorder. Identifiers: Orphanet 589547, MedGen C3151411, MONDO:0013509, OMIM 613970.

Submission:

Labcorp Genetics (formerly Invitae), Labcorp
Classification: Pathogenic for Developmental and epileptic encephalopathy, 27; Intellectual developmental disorder, autosomal dominant 6, with or without seizures. Last evaluated: 2022-07-13. Review status: criteria provided, single submitter. Criteria: Invitae Variant Classification Sherloc (09022015). Collection method: clinical testing. Allele origin: germline.
Comment: This sequence change affects an acceptor splice site in intron 3 of the GRIN2B gene. It is expected to disrupt RNA splicing. Variants that disrupt the donor or acceptor splice site typically lead to a loss of protein function (PMID: 16199547), and loss-of-function variants in GRIN2B are known to be pathogenic (PMID: 28377535). This variant is not present in population databases (gnomAD no frequency). Disruption of this splice site has been observed in individual(s) with clinical features of epileptic encephalopathy with cerebellar atrophy (Invitae). In at least one individual the variant was observed to be de novo. Algorithms developed to predict the effect of sequence changes on RNA splicing suggest that this variant may disrupt the consensus splice site. For these reasons, this variant has been classified as Pathogenic.

Literature cited by the submitters: PubMed 16199547; PubMed 28377535.

NM_000834.5(GRIN2B):c.1011-1G>C

Gene: GRIN2B (glutamate ionotropic receptor NMDA type subunit 2B; minus strand). Cytogenetic location: 12p13.1.
Variant type: single nucleotide variant.
Coding change: c.1011-1G>C on transcript NM_000834.5 (MANE Select); the canonical splice acceptor site of the intron before coding-DNA position 1011, G replaced by C.
Molecular consequence: splice acceptor variant.
Genome position (GRCh38, 1-based): chr12:13,675,860, C>G on the plus strand (G>C on the coding strand, the complement: GRIN2B is on the minus strand). VCF-style: chr12-13675860-C-G. GRCh37 (hg19) VCF-style: chr12-13828794-C-G.
Other names: c.1011-1G>C (NM_001413992.1).
Identifiers: ClinVar variation 2133232 (VCV002133232.4), dbSNP rs2497684798, ClinGen allele CA384051042.